The following is an entry in ClinVar:

ClinVar aggregate classification (germline): Uncertain significance (1 of 4 stars; one submission).

Allele frequency attached by ClinVar (database versions not stated): gnomAD exomes below 0.00001.

Submission:

Labcorp Genetics (formerly Invitae), Labcorp
Classification: Uncertain significance. Last evaluated: 2022-04-20. Review status: criteria provided, single submitter. Criteria: Invitae Variant Classification Sherloc (09022015). Collection method: clinical testing. Allele origin: germline.
Comment: In summary, the available evidence is currently insufficient to determine the role of this variant in disease. Therefore, it has been classified as a Variant of Uncertain Significance. Variants that disrupt the consensus splice site are a relatively common cause of aberrant splicing (PMID: 17576681, 9536098). Algorithms developed to predict the effect of sequence changes on RNA splicing suggest that this variant is not likely to affect RNA splicing. This variant has not been reported in the literature in individuals affected with HERC1-related conditions. This variant is not present in population databases (gnomAD no frequency). This sequence change falls in intron 31 of the HERC1 gene. It does not directly change the encoded amino acid sequence of the HERC1 protein. It affects a nucleotide within the consensus splice site.

Literature cited by the submitters: PubMed 17576681; PubMed 9536098.

NM_003922.4(HERC1):c.5830+3dup

Gene: HERC1 (HECT and RLD domain containing E3 ubiquitin protein ligase family member 1; minus strand). Cytogenetic location: 15q22.31.
Variant type: Duplication.
Coding change: c.5830+3dup on transcript NM_003922.4 (MANE Select); 3 bases into the intron after coding-DNA position 5830, one base duplicated (A; older notation c.5830+3dupA).
Molecular consequence: intron variant.
Genome position (GRCh38, 1-based): chr15:63,692,408, T duplicated on the plus strand (A on the coding strand, the reverse complement: HERC1 is on the minus strand). VCF-style (leftmost placement, unchanged base first): chr15-63692407-G-GT. GRCh37 (hg19) VCF-style: chr15-63984606-G-GT.
Identifiers: ClinVar variation 2125219 (VCV002125219.4), dbSNP rs1227416320, ClinGen allele CA714791235.